The following is an entry in ClinVar:

NM_000541.5(SAG):c.262T>A (p.Tyr88Asn)

Gene: SAG (S-antigen visual arrestin; plus strand). Cytogenetic location: 2q37.1.
Variant type: single nucleotide variant.
Coding change: c.262T>A on transcript NM_000541.5 (MANE Select); coding-DNA position 262, T replaced by A.
Protein change: p.Tyr88Asn; replaces tyrosine 88 with asparagine.
Molecular consequence: missense variant.
Genome position (GRCh38, 1-based): chr2:233,320,710, T>A. VCF-style: chr2-233320710-T-A. GRCh37 (hg19) VCF-style: chr2-234229356-T-A.
Other names: short protein forms Y88N.
Identifiers: ClinVar variation 933301 (VCV000933301.10), dbSNP rs1045104656, ClinGen allele CA351046384.

ClinVar aggregate classification (germline): Uncertain significance. Review status: criteria provided, multiple submitters, no conflicts (2 of 4 stars). 2 submissions from 2 submitters: Uncertain significance (2). Last evaluated 2022-03-19.

Allele frequency attached by ClinVar (database versions not stated): gnomAD 0.00001.
gnomAD v4.1: 23 of 1,605,780 alleles (0.0014%); highest among the groups gnomAD compares: Non-Finnish European, 0.002%; no homozygotes.

Submissions (2):

Labcorp Genetics (formerly Invitae), Labcorp
Classification: Uncertain significance. Last evaluated: 2022-03-19. Review status: criteria provided, single submitter. Criteria: Invitae Variant Classification Sherloc (09022015). Collection method: clinical testing. Allele origin: germline.
Comment: In summary, the available evidence is currently insufficient to determine the role of this variant in disease. Therefore, it has been classified as a Variant of Uncertain Significance. Algorithms developed to predict the effect of missense changes on protein structure and function are either unavailable or do not agree on the potential impact of this missense change (SIFT: "Tolerated"; PolyPhen-2: "Probably Damaging"; Align-GVGD: "Class C0"). ClinVar contains an entry for this variant (Variation ID: 933301). This variant has not been reported in the literature in individuals affected with SAG-related conditions. The frequency data for this variant in the population databases is considered unreliable, as metrics indicate poor data quality at this position in the gnomAD database. This sequence change replaces tyrosine, which is neutral and polar, with asparagine, which is neutral and polar, at codon 88 of the SAG protein (p.Tyr88Asn).

Blueprint Genetics
Classification: Uncertain significance. Last evaluated: 2019-07-18. Review status: criteria provided, single submitter. Criteria: ACMG Guidelines, 2015. Collection method: clinical testing. Allele origin: germline.